The following is an entry in ClinVar:

NM_015338.6(ASXL1):c.1658A>G (p.Glu553Gly)

Gene: ASXL1 (ASXL transcriptional regulator 1; plus strand). Cytogenetic location: 20q11.21.
Variant type: single nucleotide variant.
Coding change: c.1658A>G on transcript NM_015338.6 (MANE Select); coding-DNA position 1658, A replaced by G.
Protein change: p.Glu553Gly; replaces glutamic acid 553 with glycine.
Molecular consequence: missense variant.
Genome position (GRCh38, 1-based): chr20:32,433,856, A>G. VCF-style: chr20-32433856-A-G. GRCh37 (hg19) VCF-style: chr20-31021659-A-G.
Other names: c.1475A>G, p.Glu492Gly (NM_001363734.1); short protein forms E553G, E492G.
Identifiers: ClinVar variation 3793022 (VCV003793022.1).
Genomic context (GRCh38, chr20:32,433,856, plus strand): 5'-CATCCTTTCCCGAAAAGAAGCCCCGGCTTGAAGATCGTCAGTCCTTTCGTAACACAATTG[A>G]AAGTGTTCACACCGAAAAGCCACAGCCCACTAAAGAGGAGCCCAAAGTCCCGCCCATCCG-3'
Protein context (NP_056153.2, residues 543-563): EDRQSFRNTI[Glu553Gly]SVHTEKPQPT

ClinVar aggregate classification (germline): Uncertain significance (1 of 4 stars; one submission).

Conditions:
Inborn genetic diseases. Identifiers: MedGen C0950123, MeSH D030342.

Submission:

Ambry Genetics
Classification: Uncertain significance for Inborn genetic diseases. Last evaluated: 2025-02-01. Review status: criteria provided, single submitter. Criteria: Ambry Variant Classification Scheme 2023. Collection method: clinical testing. Allele origin: germline.
Comment: The p.E553G variant (also known as c.1658A>G), located in coding exon 12 of the ASXL1 gene, results from an A to G substitution at nucleotide position 1658. The glutamic acid at codon 553 is replaced by glycine, an amino acid with similar properties. This amino acid position is conserved. In addition, this alteration is predicted to be tolerated by in silico analysis. Based on the available evidence, the clinical significance of this variant remains unclear.